The following is an entry in ClinVar:

NM_005188.4(CBL):c.878T>G (p.Phe293Cys)

Gene: CBL (Cbl proto-oncogene; plus strand). Cytogenetic location: 11q23.3.
Variant type: single nucleotide variant.
Coding change: c.878T>G on transcript NM_005188.4 (MANE Select); coding-DNA position 878, T replaced by G.
Protein change: p.Phe293Cys; replaces phenylalanine 293 with cysteine.
Molecular consequence: missense variant.
Genome position (GRCh38, 1-based): chr11:119,276,005, T>G. VCF-style: chr11-119276005-T-G. GRCh37 (hg19) VCF-style: chr11-119146715-T-G.
Other names: short protein forms F293C.
Identifiers: ClinVar variation 3252530 (VCV003252530.1), dbSNP rs2496935525.

ClinVar aggregate classification (germline): Uncertain significance (1 of 4 stars; one submission).

Submission:

GeneDx
Classification: Uncertain significance. Last evaluated: 2023-10-03. Review status: criteria provided, single submitter. Criteria: GeneDx Variant Classification Process June 2021. Collection method: clinical testing. Allele origin: germline. Affected: yes.
Comment: Not observed at significant frequency in large population cohorts (gnomAD); In silico analysis supports that this missense variant has a deleterious effect on protein structure/function; Has not been previously published as pathogenic or benign to our knowledge; This variant is associated with the following publications: (PMID: 18034775, 20619386)